The following is an entry in ClinVar:

NM_001042432.2(CLN3):c.240del (p.Pro81fs)

Gene: CLN3 (CLN3 lysosomal/endosomal transmembrane protein, battenin; minus strand). Cytogenetic location: 16p12.1.
Variant type: Deletion.
Coding change: c.240del on transcript NM_001042432.2 (MANE Select); coding-DNA position 240, one base deleted (G; older notation c.240delG).
Protein change: p.Pro81fs; shifts the reading frame from proline 81.
Molecular consequence: frameshift variant. On other transcripts: intron variant (2).
Genome position (GRCh38, 1-based): chr16:28,488,645, C deleted on the plus strand (G on the coding strand, the reverse complement: CLN3 is on the minus strand). VCF-style (leftmost placement, unchanged base first): chr16-28488644-GC-G. GRCh37 (hg19) VCF-style: chr16-28499965-GC-G.
Other names: c.240del, p.Pro81fs (NM_000086.2); c.20del, p.Arg7fs (NM_001286105.2); c.78del, p.Pro27fs (NM_001286110.2); c.60+645del (NM_001286109.2); c.222+645del (NM_001286104.2); c.240del (NM_001042432.1); c.240delG (NM_001042432.1); short protein forms P27fs, R7fs, P81fs.
Identifiers: ClinVar variation 265379 (VCV000265379.6), dbSNP rs748710466, ClinGen allele CA7981007.
Genomic context (GRCh38, chr16:28,488,644, plus strand): 5'-TACGCACAGCCGTAGAGACAGAGTTGCAGTCAAATCGTGATGAGCTGTTGTGGGGGATCG[GC>G]GTTGGGCCTGGGTCCACCTAATGGGAGAAAAGCATGTCTTTCACCCTGGAGGCAGAGGGA-3'

ClinVar aggregate classification (germline): Pathogenic/Likely pathogenic. Review status: criteria provided, multiple submitters, no conflicts (2 of 4 stars). 3 submissions from 3 submitters: Pathogenic (1); Likely pathogenic (2). Last evaluated 2023-01-03.

Conditions:
Neuronal ceroid lipofuscinosis. Also called: Neuronal Ceroid Lipofuscinoses. Identifiers: Orphanet 216, Orphanet 79263, MedGen C0027877, MONDO:0016295. Disease mechanism: loss of function.
Neuronal ceroid lipofuscinosis 3 (CLN3). Identifiers: Orphanet 228346, MedGen C0751383, MONDO:0008767, OMIM 204200.

Allele frequency attached by ClinVar (database versions not stated): gnomAD exomes below 0.00001; ExAC 0.00001.

Submissions (3):

GeneDx
Classification: Likely pathogenic. Last evaluated: 2023-01-03. Review status: criteria provided, single submitter. Criteria: GeneDx Variant Classification Process June 2021. Collection method: clinical testing. Allele origin: germline. Affected: yes.
Comment: Reported previously in association with juvenile neuronal ceroid lipofuscinosis (JNCL), and functional analysis showed decreased mRNA expression due to truncation of the CLN3 protein in cells with this variant as compared to normal controls (Adams et al., 2010; Kwon et al., 2011; Miller et al., 2013); Frameshift variant predicted to result in protein truncation or nonsense mediated decay in a gene for which loss of function is a known mechanism of disease; Not observed at significant frequency in large population cohorts (gnomAD); This variant is associated with the following publications: (PMID: 23539563, 22013180, 20187884)

Women's Health and Genetics/Laboratory Corporation of America, LabCorp
Classification: Likely pathogenic for Neuronal ceroid lipofuscinosis. Last evaluated: 2022-08-30. Review status: criteria provided, single submitter. Criteria: LabCorp Variant Classification Summary - May 2015. Collection method: clinical testing. Allele origin: germline.
Comment: Variant summary: CLN3 c.240delG (p.Pro81ArgfsX100) results in a premature termination codon, predicted to cause a truncation of the encoded protein or absence of the protein due to nonsense mediated decay, which are commonly known mechanisms for disease. Truncations downstream of this position have been classified as pathogenic by our laboratory. The variant allele was found at a frequency of 4e-06 in 251492 control chromosomes (gnomAD). c.240delG has been reported in the literature in at-least one individual affected with Juvenile Neuronal Ceroid-Lipofuscinosis (Juvenile Batten Disease) (examples: Adams_2010, Kwon_2011 and Miller_2013). Two submitters have provided clinical-significance assessments for this variant to ClinVar after 2014 and all classified the variant as pathogenic. Based on the evidence outlined above, the variant was classified as likely pathogenic.

Genome-Nilou Lab
Classification: Pathogenic for Neuronal ceroid lipofuscinosis 3. Last evaluated: 2021-08-10. Review status: criteria provided, single submitter. Criteria: ACMG Guidelines, 2015. Collection method: clinical testing. Allele origin: germline. Affected: no.

Literature cited by the submitters: PubMed 23539563 (cited by Women's Health and Genetics/Laboratory Corporation of America, LabCorp); PubMed 22013180 (cited by Women's Health and Genetics/Laboratory Corporation of America, LabCorp); PubMed 20187884 (cited by Women's Health and Genetics/Laboratory Corporation of America, LabCorp).